The following is an entry in ClinVar:

ClinVar aggregate classification (germline): Uncertain significance. Review status: criteria provided, single submitter (1 of 4 stars). 2 submissions from 2 submitters: Uncertain significance (1). 1 of the submissions does not count toward it. Last evaluated 2024-10-09.

Conditions:
ROBO3-related disorder. Also called: ROBO3-related condition.
Inborn genetic diseases. Identifiers: MedGen C0950123, MeSH D030342.

Allele frequency attached by ClinVar (database versions not stated): ExAC 0.00009; gnomAD 0.00010; TOPMed 0.00012; gnomAD exomes 0.00014.
gnomAD v4.1: 224 of 1,612,040 alleles (0.014%); highest among the groups gnomAD compares: Non-Finnish European, 0.017%; no homozygotes.

Submissions (2):

Ambry Genetics
Classification: Uncertain significance for Inborn genetic diseases. Last evaluated: 2024-10-09. Review status: criteria provided, single submitter. Criteria: Ambry Variant Classification Scheme 2023. Collection method: clinical testing. Allele origin: germline.

PreventionGenetics, part of Exact Sciences
Classification: Uncertain significance for ROBO3-related condition. Last evaluated: 2023-10-20. Review status: no assertion criteria provided. Collection method: clinical testing. Allele origin: germline. Not counted in ClinVar's aggregate classification.
Comment: The ROBO3 c.3056A>G variant is predicted to result in the amino acid substitution p.Tyr1019Cys. To our knowledge, this variant has not been reported in the literature. This variant is reported in 0.015% of alleles in individuals of European (Non-Finnish) descent in gnomAD. At this time, the clinical significance of this variant is uncertain due to the absence of conclusive functional and genetic evidence.

NM_022370.4(ROBO3):c.3056A>G (p.Tyr1019Cys)

Gene: ROBO3 (roundabout guidance receptor 3; plus strand). Cytogenetic location: 11q24.2.
Variant type: single nucleotide variant.
Coding change: c.3056A>G on transcript NM_022370.4 (MANE Select); coding-DNA position 3056, A replaced by G.
Protein change: p.Tyr1019Cys; replaces tyrosine 1019 with cysteine.
Molecular consequence: missense variant. On other transcripts: non-coding transcript variant (3), intron variant (2).
Genome position (GRCh38, 1-based): chr11:124,878,006, A>G. VCF-style: chr11-124878006-A-G. GRCh37 (hg19) VCF-style: chr11-124747902-A-G.
Other names: c.203A>G, p.Tyr68Cys (NM_001370356.1, NM_001370357.1, NM_001370358.1 and 2 more transcripts); c.134-292A>G (NM_001370364.1, NM_001370366.1); short protein forms Y1019C, Y68C.
Identifiers: ClinVar variation 3047232 (VCV003047232.3), dbSNP rs759523344, ClinGen allele CA6344036.